The following is an entry in ClinVar:

ClinVar aggregate classification (germline): Uncertain significance. Review status: criteria provided, multiple submitters, no conflicts (2 of 4 stars). 9 submissions from 9 submitters: Uncertain significance (7). 2 of the submissions do not count toward it. Last evaluated 2026-01-14.

Conditions:
Sick sinus syndrome 2, autosomal dominant (SSS2). Also called: SICK SINUS SYNDROME 2; SICK SINUS SYNDROME 2 WITH OR WITHOUT CARDIAC NONCOMPACTION AND/OR ASCENDING AORTA DILATION; ATRIAL FIBRILLATION WITH BRADYARRHYTHMIA; SINUS BRADYCARDIA SYNDROME, FAMILIAL, AUTOSOMAL DOMINANT; SINUS NODE DISEASE, FAMILIAL, AUTOSOMAL DOMINANT. Identifiers: Orphanet 166282, MedGen C1834144, MONDO:0008102, OMIM 163800.
Cardiovascular phenotype. Identifiers: MedGen CN230736.
Brugada syndrome 8 (BRGDA8). Identifiers: Orphanet 130, MedGen C2751083, MONDO:0013148, OMIM 613123.

Allele frequency attached by ClinVar (database versions not stated): gnomAD 0.00004 and 0.00003; gnomAD exomes 0.00005 and 0.00001; ExAC 0.00007; TOPMed 0.00003.
gnomAD v4.1: 77 of 1,460,820 alleles (0.0053%); highest among the groups gnomAD compares: Non-Finnish European, 0.0065%; no homozygotes.

Submissions (9):

Labcorp Genetics (formerly Invitae), Labcorp
Classification: Uncertain significance for Brugada syndrome 8. Last evaluated: 2026-01-14. Review status: criteria provided, single submitter. Criteria: Invitae Variant Classification Sherloc (09022015). Collection method: clinical testing. Allele origin: germline.
Comment: This sequence change replaces glycine, which is neutral and non-polar, with aspartic acid, which is acidic and polar, at codon 1070 of the HCN4 protein (p.Gly1070Asp). The frequency data for this variant in the population databases is considered unreliable, as metrics indicate poor data quality at this position in the gnomAD database. This missense change has been observed in individual(s) with dilated cardiomyopathy (PMID: 30847666). ClinVar contains an entry for this variant (Variation ID: 404136). Invitae Evidence Modeling of protein sequence and biophysical properties (such as structural, functional, and spatial information, amino acid conservation, physicochemical variation, residue mobility, and thermodynamic stability) indicates that this missense variant is not expected to disrupt HCN4 protein function with a negative predictive value of 95%. In summary, the available evidence is currently insufficient to determine the role of this variant in disease. Therefore, it has been classified as a Variant of Uncertain Significance.

Women's Health and Genetics/Laboratory Corporation of America, LabCorp
Classification: Uncertain significance. Last evaluated: 2025-01-17. Review status: criteria provided, single submitter. Criteria: LabCorp Variant Classification Summary - May 2015. Collection method: clinical testing. Allele origin: germline.
Comment: Variant summary: HCN4 c.3209G>A (p.Gly1070Asp) results in a non-conservative amino acid change in the encoded protein sequence. Four of five in-silico tools predict a benign effect of the variant on protein function. The variant allele was found at a frequency of 1.2e-05 in 84146 control chromosomes. The available data on variant occurrences in the general population are insufficient to allow any conclusion about variant significance. c.3209G>A has been reported in the literature in individuals undergoing multigene panel testing for cardiomyopathy/arrhythmia or sudden infant death syndrome (Cazzato_2024, van Lint_2019). These report(s) do not provide unequivocal conclusions about association of the variant with Sick Sinus Syndrome 2. To our knowledge, no experimental evidence demonstrating an impact on protein function has been reported. The following publications have been ascertained in the context of this evaluation (PMID: 38849547, 30847666). ClinVar contains an entry for this variant (Variation ID: 404136). Based on the evidence outlined above, the variant was classified as uncertain significance.

Ambry Genetics
Classification: Uncertain significance for Cardiovascular phenotype. Last evaluated: 2024-09-06. Review status: criteria provided, single submitter. Criteria: Ambry Variant Classification Scheme 2023. Collection method: clinical testing. Allele origin: germline.
Comment: The p.G1070D variant (also known as c.3209G>A), located in coding exon 8 of the HCN4 gene, results from a G to A substitution at nucleotide position 3209. The glycine at codon 1070 is replaced by aspartic acid, an amino acid with similar properties. This variant was detected in a cardiomyopathy/arrhythmia genetic testing cohort; however, clinical details were limited, and additional cardiac variants were detected in some cases (van Lint FHM et al. Neth Heart J, 2019 Jun;27:304-309). This amino acid position is not well conserved in available vertebrate species. In addition, this alteration is predicted to be tolerated by in silico analysis. Since supporting evidence is limited at this time, the clinical significance of this alteration remains unclear.

GeneDx
Classification: Uncertain significance. Last evaluated: 2024-07-25. Review status: criteria provided, single submitter. Criteria: GeneDx Variant Classification Process June 2021. Collection method: clinical testing. Allele origin: germline. Affected: yes.
Comment: Identified in a patient with DCM in published literature (PMID: 30847666); this patient also harbored a pathogenic variant in another cardiomyopathy-related gene; Not observed at significant frequency in large population cohorts (gnomAD); In silico analysis indicates that this missense variant does not alter protein structure/function; This variant is associated with the following publications: (PMID: 30847666)

CeGaT Center for Human Genetics Tuebingen
Classification: Uncertain significance. Last evaluated: 2022-06-01. Review status: criteria provided, single submitter. Criteria: CeGaT Center For Human Genetics Tuebingen Variant Classification Criteria Version 2. Collection method: clinical testing. Allele origin: germline. Affected: yes. Observed: 1 variant allele.
Comment: HCN4: PP3

MGZ Medical Genetics Center
Classification: Uncertain significance for Sick sinus syndrome 2, autosomal dominant. Last evaluated: 2022-01-18. Review status: criteria provided, single submitter. Criteria: ACMG Guidelines, 2015. Collection method: clinical testing. Allele origin: germline. Affected: yes. Observed: 1 variant allele.
Comment: ACMG criteria applied: PM2_SUP

Stanford Center for Inherited Cardiovascular Disease, Stanford University
Classification: Uncertain significance. Last evaluated: 2018-01-19. Review status: criteria provided, single submitter. Criteria: ACMG Guidelines, 2015. Collection method: provider interpretation. Allele origin: germline.

Clinical Genetics, Academic Medical Center
Classification: Uncertain significance. Review status: no assertion criteria provided. Collection method: clinical testing. Allele origin: germline. Affected: yes. Study: VKGL Data-share Consensus. Not counted in ClinVar's aggregate classification.

Diagnostic Laboratory, Department of Genetics, University Medical Center Groningen
Classification: Uncertain significance. Review status: no assertion criteria provided. Collection method: clinical testing. Allele origin: germline. Affected: yes. Study: VKGL Data-share Consensus. Not counted in ClinVar's aggregate classification.

Literature cited by the submitters: PubMed 30847666 (cited by 3 submitters); PubMed 38849547 (cited by Women's Health and Genetics/Laboratory Corporation of America, LabCorp).

NM_005477.3(HCN4):c.3209G>A (p.Gly1070Asp)

Gene: HCN4 (hyperpolarization activated cyclic nucleotide gated potassium channel 4; minus strand). Cytogenetic location: 15q24.1.
Variant type: single nucleotide variant.
Coding change: c.3209G>A on transcript NM_005477.3 (MANE Select); coding-DNA position 3209, G replaced by A.
Protein change: p.Gly1070Asp; replaces glycine 1070 with aspartic acid.
Molecular consequence: missense variant.
Genome position (GRCh38, 1-based): chr15:73,322,884, C>T on the plus strand (G>A on the coding strand, the complement: HCN4 is on the minus strand). VCF-style: chr15-73322884-C-T. GRCh37 (hg19) VCF-style: chr15-73615225-C-T.
Other names: short protein forms G1070D.
Identifiers: ClinVar variation 404136 (VCV000404136.43), dbSNP rs772839442, ClinGen allele CA7648868.
Genomic context (GRCh38, chr15:73,322,884, plus strand): 5'-TGAGACGCGGAGATGAGCTTGAGGTCCTGGGTGAGGCGGCCGGGGGTGAGCGGGGGTGTG[C>T]CCCGGCGCTGGGGGACCTGGGGTGGTGGGGGGCTGGATGCAGGTGGCAGGAGCAAGGATC-3'
Protein context (NP_005468.1, residues 1060-1080): PPPPQVPQRR[Gly1070Asp]TPPLTPGRLT